The following is an entry in ClinVar:

ClinVar aggregate classification (germline): Conflicting classifications of pathogenicity. Review status: criteria provided, conflicting classifications (1 of 4 stars). 2 submissions from 2 submitters: Uncertain significance (1); Likely benign (1). Last evaluated 2025-10-22.

Conditions:
Hereditary cancer-predisposing syndrome. Also called: Neoplastic Syndromes, Hereditary; Hereditary Cancer Syndrome; Hereditary neoplastic syndrome; Tumor predisposition. Identifiers: Orphanet 140162, MedGen C0027672, MeSH D009386, MONDO:0015356.
Multiple endocrine neoplasia, type 2 (MEN2). Identifiers: Orphanet 653, MedGen C4048306, MONDO:0019003. Disease mechanism: gain of function.

Allele frequency attached by ClinVar (database versions not stated): ExAC 0.00001; gnomAD exomes 0.00001.
gnomAD v4.1: 6 of 1,612,912 alleles (0.00037%); highest among the groups gnomAD compares: Admixed American, 0.0083%; no homozygotes.

Submissions (2):

Labcorp Genetics (formerly Invitae), Labcorp
Classification: Uncertain significance for Multiple endocrine neoplasia, type 2. Last evaluated: 2025-10-22. Review status: criteria provided, single submitter. Criteria: Invitae Variant Classification Sherloc (09022015). Collection method: clinical testing. Allele origin: germline.
Comment: This sequence change replaces glycine, which is neutral and non-polar, with glutamic acid, which is acidic and polar, at codon 550 of the RET protein (p.Gly550Glu). This variant is present in population databases (rs747844360, gnomAD 0.006%). This missense change has been observed in individual(s) with medullary thyroid cancer (PMID: 22648435). ClinVar contains an entry for this variant (Variation ID: 477322). An algorithm developed to predict the effect of missense changes on protein structure and function (PolyPhen-2) suggests that this variant is likely to be disruptive. In summary, the available evidence is currently insufficient to determine the role of this variant in disease. Therefore, it has been classified as a Variant of Uncertain Significance.

Ambry Genetics
Classification: Likely benign for Hereditary cancer-predisposing syndrome. Last evaluated: 2023-05-25. Review status: criteria provided, single submitter. Criteria: Ambry Variant Classification Scheme 2023. Collection method: clinical testing. Allele origin: germline.

Literature cited by the submitters: PubMed 22648435 (cited by Labcorp Genetics (formerly Invitae), Labcorp and Ambry Genetics).

NM_020975.6(RET):c.1649G>A (p.Gly550Glu)

Gene: RET (ret proto-oncogene; plus strand). Cytogenetic location: 10q11.21.
Variant type: single nucleotide variant.
Coding change: c.1649G>A on transcript NM_020975.6 (MANE Select); coding-DNA position 1649, G replaced by A.
Protein change: p.Gly550Glu; replaces glycine 550 with glutamic acid.
Molecular consequence: missense variant.
Genome position (GRCh38, 1-based): chr10:43,112,853, G>A. VCF-style: chr10-43112853-G-A. GRCh37 (hg19) VCF-style: chr10-43608301-G-A.
Other names: c.1649G>A, p.Gly550Glu (NM_000323.2, NM_001406743.1, NM_001406744.1 and 6 more transcripts); c.887G>A, p.Gly296Glu (NM_001355216.2); c.1520G>A, p.Gly507Glu (NM_001406761.1, NM_001406762.1, NM_001406764.1 and 1 more transcripts); c.1361G>A, p.Gly454Glu (NM_001406766.1, NM_001406767.1, NM_001406770.1); c.1253G>A, p.Gly418Glu (NM_001406769.1, NM_001406772.1); c.1211G>A, p.Gly404Glu (NM_001406771.1, NM_001406773.1); c.1124G>A, p.Gly375Glu (NM_001406774.1); c.923G>A, p.Gly308Glu (NM_001406775.1, NM_001406776.1, NM_001406777.1 and 1 more transcripts); and 5 more; short protein forms G550E, G296E, G155E, G208E, G220E, G375E, G404E, G418E.
Identifiers: ClinVar variation 477322 (VCV000477322.11), dbSNP rs747844360, ClinGen allele CA034935.